The following is an entry in ClinVar:

ClinVar aggregate classification (germline): Likely benign (0 of 4 stars; one submission).

Conditions:
GPRASP2-related disorder. Also called: GPRASP2-related condition.

Allele frequency attached by ClinVar (database versions not stated): 1000 Genomes Project 0.00053; ExAC 0.00071; TOPMed 0.00081; 1000 Genomes Project 30x 0.00083; gnomAD 0.00095; ESP Exome Variant Server 0.00114; gnomAD exomes 0.00232.

Submission:

PreventionGenetics, part of Exact Sciences
Classification: Likely benign for GPRASP2-related condition. Last evaluated: 2021-10-25. Review status: no assertion criteria provided. Collection method: clinical testing. Allele origin: germline.
Comment: This variant is classified as likely benign based on ACMG/AMP sequence variant interpretation guidelines (Richards et al. 2015 PMID: 25741868, with internal and published modifications).

NM_001004051.4(GPRASP2):c.326G>A (p.Arg109His)

Genes: ARMCX5-GPRASP2 (ARMCX5-GPRASP2 readthrough; plus strand), GPRASP2 (G protein-coupled receptor associated sorting protein 2; plus strand). Cytogenetic location: Xq22.1.
Variant type: single nucleotide variant.
Coding change: c.326G>A on transcript NM_001004051.4 (MANE Select); coding-DNA position 326, G replaced by A.
Protein change: p.Arg109His; replaces arginine 109 with histidine.
Molecular consequence: missense variant. On other transcripts: intron variant (3).
Genome position (GRCh38, 1-based): chrX:102,715,195, G>A. VCF-style: chrX-102715195-G-A. GRCh37 (hg19) VCF-style: chrX-101970123-G-A.
Other names: c.326G>A, p.Arg109His (NM_001199818.1, NM_001184874.3, NM_001184875.3 and 2 more transcripts); c.-820+929G>A (NM_001350268.2); c.-752+929G>A (NM_001350269.2); c.-721+929G>A (NM_001350270.1); short protein forms R109H.
Identifiers: ClinVar variation 3053315 (VCV003053315.2), dbSNP rs139789934, ClinGen allele CA10476455.